The following is an entry in ClinVar:

NM_001048174.2(MUTYH):c.1291G>A (p.Ala431Thr)

Gene: MUTYH (mutY DNA glycosylase; minus strand). Cytogenetic location: 1p34.1.
Variant type: single nucleotide variant.
Coding change: c.1291G>A on transcript NM_001048174.2 (MANE Select); coding-DNA position 1291, G replaced by A.
Protein change: p.Ala431Thr; replaces alanine 431 with threonine.
Molecular consequence: missense variant. On other transcripts: non-coding transcript variant (2).
Genome position (GRCh38, 1-based): chr1:45,331,283, C>T on the plus strand (G>A on the coding strand, the complement: MUTYH is on the minus strand). VCF-style: chr1-45331283-C-T. GRCh37 (hg19) VCF-style: chr1-45796955-C-T.
Other names: c.1291G>A, p.Ala431Thr (NM_001048171.2, NM_001048173.2, NM_001293195.2); c.1294G>A, p.Ala432Thr (NM_001048172.2); c.1375G>A, p.Ala459Thr (NM_001128425.2); c.1336G>A, p.Ala446Thr (NM_001293190.2); c.1324G>A, p.Ala442Thr (NM_001293191.2); c.1015G>A, p.Ala339Thr (NM_001293192.2, NM_001293196.2); c.946G>A, p.Ala316Thr (NM_001350650.2, NM_001350651.2); c.1366G>A, p.Ala456Thr (NM_012222.3); short protein forms A316T, A339T, A456T, A459T, A431T, A432T, A442T, A446T.
Identifiers: ClinVar variation 963489 (VCV000963489.10), dbSNP rs1644787002, ClinGen allele CA340132703.
Genomic context (GRCh38, chr1:45,331,283, plus strand): 5'-CCTGCGTCAGCCAGCGAGCACCTGGTGGTACGGTGGTCACTGGGGTCTGCCCTTCCAAGG[C>T]CAGCCCATATACTTGATATGTCAGCTTGATGTGAGAGAAGGTGTGGACAACCTGGAGGAA-3'
Protein context (NP_001041639.1, residues 421-441): IKLTYQVYGL[Ala431Thr]LEGQTPVTTV

ClinVar aggregate classification (germline): Uncertain significance. Review status: criteria provided, multiple submitters, no conflicts (2 of 4 stars). 2 submissions from 2 submitters: Uncertain significance (2). Last evaluated 2024-05-14.

Conditions:
Familial adenomatous polyposis 2. Also called: COLORECTAL ADENOMATOUS POLYPOSIS, AUTOSOMAL RECESSIVE; ADENOMAS, MULTIPLE COLORECTAL, AUTOSOMAL RECESSIVE; MYH-associated polyposis; FAP type 2; MUTYH-associated polyposis; MUTYH-related attenuated familial adenomatous polyposis. Identifiers: Orphanet 220460, Orphanet 247798, MedGen C3272841, MONDO:0012041, OMIM 608456.

Submissions (2):

All of Us Research Program, National Institutes of Health
Classification: Uncertain significance for Familial adenomatous polyposis 2. Last evaluated: 2024-05-14. Review status: criteria provided, single submitter. Criteria: ACMG Guidelines, 2015. Collection method: clinical testing. Allele origin: germline. Inheritance: Autosomal recessive inheritance. Observed: 1 variant allele, 1 heterozygote.
Comment: This missense variant replaces alanine with threonine at codon 459 of the MUTYH protein. Computational prediction suggests that this variant may not impact protein structure and function. Functional studies have shown that this variant reduced protein expression but had complementation activity comparable to wild-type protein (PMID: 25820570). This variant was reported in individuals affected with breast cancer (PMID: 25186627, 32720237), colorectal cancer (PMID: 14991577), and multiple colorectal adenomas (PMID: 17949294). This variant has not been identified in the general population by the Genome Aggregation Database (gnomAD). The available evidence is insufficient to determine the role of this variant in disease conclusively. Therefore, this variant is classified as a Variant of Uncertain Significance.

This study involves interpretation of variants in research participants for the purpose of population health screening. Participant phenotype was not available at the time of variant classification. Additional details can be found in publication PMID: 35346344, PMCID: PMC8962531

Labcorp Genetics (formerly Invitae), Labcorp
Classification: Uncertain significance for Familial adenomatous polyposis 2. Last evaluated: 2023-07-25. Review status: criteria provided, single submitter. Criteria: Invitae Variant Classification Sherloc (09022015). Collection method: clinical testing. Allele origin: germline.
Comment: This sequence change replaces alanine, which is neutral and non-polar, with threonine, which is neutral and polar, at codon 459 of the MUTYH protein (p.Ala459Thr). This variant is not present in population databases (gnomAD no frequency). This missense change has been observed in individual(s) with colorectal adenomas or colorectal cancer (PMID: 14991577, 17949294). ClinVar contains an entry for this variant (Variation ID: 963489). Algorithms developed to predict the effect of missense changes on protein structure and function output the following: SIFT: "Not Available"; PolyPhen-2: "Benign"; Align-GVGD: "Not Available". The threonine amino acid residue is found in multiple mammalian species, which suggests that this missense change does not adversely affect protein function. Experimental studies have shown that this missense change affects MUTYH function (PMID: 25820570). In summary, the available evidence is currently insufficient to determine the role of this variant in disease. Therefore, it has been classified as a Variant of Uncertain Significance.

Literature cited by the submitters: PubMed 14991577 (cited by All of Us Research Program, National Institutes of Health and Labcorp Genetics (formerly Invitae), Labcorp); PubMed 17949294 (cited by All of Us Research Program, National Institutes of Health and Labcorp Genetics (formerly Invitae), Labcorp); PubMed 25186627 (cited by All of Us Research Program, National Institutes of Health); PubMed 25820570 (cited by All of Us Research Program, National Institutes of Health and Labcorp Genetics (formerly Invitae), Labcorp); PubMed 32720237 (cited by All of Us Research Program, National Institutes of Health).